The following is an entry in ClinVar:

ClinVar aggregate classification (germline): Uncertain significance (1 of 4 stars; one submission).

Conditions:
Cone-rod dystrophy 13 (CORD13). Identifiers: Orphanet 1872, MedGen C2750720, MONDO:0011987, OMIM 608194.
Leber congenital amaurosis 6 (LCA6). Identifiers: Orphanet 65, MedGen C1854260, MONDO:0013446, OMIM 613826.

Allele frequency attached by ClinVar (database versions not stated): TOPMed below 0.00001.

Submission:

Labcorp Genetics (formerly Invitae), Labcorp
Classification: Uncertain significance for Leber congenital amaurosis 6; Cone-rod dystrophy 13. Last evaluated: 2019-11-29. Review status: criteria provided, single submitter. Criteria: Invitae Variant Classification Sherloc (09022015). Collection method: clinical testing. Allele origin: germline.
Comment: This variant has not been reported in the literature in individuals with RPGRIP1-related conditions. This variant is not present in population databases (ExAC no frequency). This sequence change replaces methionine with valine at codon 292 of the RPGRIP1 protein (p.Met292Val). The methionine residue is weakly conserved and there is a small physicochemical difference between methionine and valine. Algorithms developed to predict the effect of missense changes on protein structure and function output the following: SIFT: "Tolerated"; PolyPhen-2: "Benign"; Align-GVGD: "Class C0". The valine amino acid residue is found in multiple mammalian species, suggesting that this missense change does not adversely affect protein function. These predictions have not been confirmed by published functional studies and their clinical significance is uncertain. In summary, the available evidence is currently insufficient to determine the role of this variant in disease. Therefore, it has been classified as a Variant of Uncertain Significance.

NM_020366.4(RPGRIP1):c.874A>G (p.Met292Val)

Gene: RPGRIP1 (RPGR interacting protein 1; plus strand). Cytogenetic location: 14q11.2.
Variant type: single nucleotide variant.
Coding change: c.874A>G on transcript NM_020366.4 (MANE Select); coding-DNA position 874, A replaced by G.
Protein change: p.Met292Val; replaces methionine 292 with valine.
Molecular consequence: missense variant.
Genome position (GRCh38, 1-based): chr14:21,307,804, A>G. VCF-style: chr14-21307804-A-G. GRCh37 (hg19) VCF-style: chr14-21775963-A-G.
Other names: short protein forms M292V.
Identifiers: ClinVar variation 839998 (VCV000839998.9), dbSNP rs1881380174, ClinGen allele CA388861672.